The following is an entry in ClinVar:

NM_173076.3(ABCA12):c.1923G>C (p.Leu641=)

Gene: ABCA12 (ATP binding cassette subfamily A member 12; minus strand). Cytogenetic location: 2q35.
Variant type: single nucleotide variant.
Coding change: c.1923G>C on transcript NM_173076.3 (MANE Select); coding-DNA position 1923, G replaced by C.
Protein change: p.Leu641=; no amino-acid change (leucine 641 retained).
Molecular consequence: synonymous variant. On other transcripts: non-coding transcript variant (1).
Genome position (GRCh38, 1-based): chr2:215,015,523, C>G on the plus strand (G>C on the coding strand, the complement: ABCA12 is on the minus strand). VCF-style: chr2-215015523-C-G. GRCh37 (hg19) VCF-style: chr2-215880247-C-G.
Other names: c.969G>C, p.Leu323= (NM_015657.4).
Identifiers: ClinVar variation 334260 (VCV000334260.19), dbSNP rs79664364, ClinGen allele CA2092101.

ClinVar aggregate classification (germline): Benign/Likely benign. Review status: criteria provided, multiple submitters, no conflicts (2 of 4 stars). 4 submissions from 4 submitters: Benign (1); Likely benign (3). Last evaluated 2026-10-01.

Conditions:
Congenital ichthyosis of skin. Identifiers: MedGen C0020758.

Allele frequency attached by ClinVar (database versions not stated): gnomAD 0.00428 and 0.00424; gnomAD exomes 0.00436; 1000 Genomes Project 30x 0.00437; TOPMed 0.00469; ESP Exome Variant Server 0.00538; 1000 Genomes Project 0.00399; ExAC 0.00419.
gnomAD v4.1: 9,593 of 1,614,032 alleles (0.59%); highest among the groups gnomAD compares: Non-Finnish European, 0.71%; 40 homozygotes.

Submissions (4):

CeGaT Center for Human Genetics Tuebingen
Classification: Likely benign. Last evaluated: 2026-10-01. Review status: criteria provided, single submitter. Criteria: CeGaT Center For Human Genetics Tuebingen Variant Classification Criteria Version 2. Collection method: clinical testing. Allele origin: germline. Affected: yes. Observed: 3 variant alleles.
Comment: ABCA12: BP4, BP7, BS2

Labcorp Genetics (formerly Invitae), Labcorp
Classification: Benign. Last evaluated: 2026-01-28. Review status: criteria provided, single submitter. Criteria: Invitae Variant Classification Sherloc (09022015). Collection method: clinical testing. Allele origin: germline.

Illumina Laboratory Services, Illumina
Classification: Likely benign for Congenital ichthyosis of skin. Last evaluated: 2018-01-13. Review status: criteria provided, single submitter. Criteria: ICSL Variant Classification Criteria 13 December 2019. Collection method: clinical testing. Allele origin: germline.
Comment: This variant was observed in the ICSL laboratory as part of a predisposition screen in an ostensibly healthy population. It had not been previously curated by ICSL or reported in the Human Gene Mutation Database (HGMD: prior to June 1st, 2018), and was therefore a candidate for classification through an automated scoring system. Utilizing variant allele frequency, disease prevalence and penetrance estimates, and inheritance mode, an automated score was calculated to assess if this variant is too frequent to cause the disease. Based on the score and internal cut-off values, a variant classified as likely benign is not then subjected to further curation. The score for this variant resulted in a classification of likely benign for this disease.

Breakthrough Genomics
Classification: Likely benign. Review status: criteria provided, single submitter. Criteria: ACMG Guidelines, 2015. Collection method: not provided. Allele origin: germline. Inheritance: Autosomal recessive inheritance. Affected: yes.